The following is an entry in ClinVar:

ClinVar aggregate classification (germline): Pathogenic (1 of 4 stars; one submission).

Conditions:
Hereditary cancer-predisposing syndrome. Also called: Tumor predisposition; Neoplastic Syndromes, Hereditary; Hereditary neoplastic syndrome; Hereditary Cancer Syndrome. Identifiers: Orphanet 140162, MedGen C0027672, MeSH D009386, MONDO:0015356.

gnomAD v4.1: 1 of 1,607,044 alleles (0.000062%); highest among the groups gnomAD compares: Non-Finnish European, 0.000085%; no homozygotes.

Submission:

Ambry Genetics
Classification: Pathogenic for Hereditary cancer-predisposing syndrome. Last evaluated: 2024-09-30. Review status: criteria provided, single submitter. Criteria: Ambry Variant Classification Scheme 2023. Collection method: clinical testing. Allele origin: germline.
Comment: The p.G58* pathogenic mutation (also known as c.172G>T), located in coding exon 1 of the TMEM127 gene, results from a G to T substitution at nucleotide position 172. This changes the amino acid from a glycine to a stop codon within coding exon 1. This variant is considered to be rare based on population cohorts in the Genome Aggregation Database (gnomAD). This alteration is expected to result in loss of function by premature protein truncation or nonsense-mediated mRNA decay. As such, this alteration is interpreted as a disease-causing mutation.

NM_017849.4(TMEM127):c.172G>T (p.Gly58Ter)

Gene: TMEM127 (transmembrane protein 127; minus strand). Cytogenetic location: 2q11.2.
Variant type: single nucleotide variant.
Coding change: c.172G>T on transcript NM_017849.4 (MANE Select); coding-DNA position 172, G replaced by T.
Protein change: p.Gly58Ter; replaces glycine 58 with a stop codon.
Molecular consequence: nonsense. On other transcripts: intron variant (1).
Genome position (GRCh38, 1-based): chr2:96,265,210, C>A on the plus strand (G>T on the coding strand, the complement: TMEM127 is on the minus strand). VCF-style: chr2-96265210-C-A. GRCh37 (hg19) VCF-style: chr2-96930948-C-A.
Other names: c.172G>T, p.Gly58Ter (NM_001193304.3); c.-9+659G>T (NM_001407283.1); short protein forms G58*.
Identifiers: ClinVar variation 3457585 (VCV003457585.1).
Genomic context (GRCh38, chr2:96,265,210, plus strand): 5'-CCGGGTGCACATAGCCCAACACGTCGGAGACCCCCAGCTCCTGGCGCGAACAGGTGCCTC[C>A]GTGGATGTGCAACCAGGCGGGCTCGGCGAGGGCAGTGCACAGCGCCGTGATAGACAGGGC-3'